The following is an entry in ClinVar:

NM_016239.4(MYO15A):c.2705C>T (p.Ala902Val)

Gene: MYO15A (myosin XVA; plus strand). Cytogenetic location: 17p11.2.
Variant type: single nucleotide variant.
Coding change: c.2705C>T on transcript NM_016239.4 (MANE Select); coding-DNA position 2705, C replaced by T.
Protein change: p.Ala902Val; replaces alanine 902 with valine.
Molecular consequence: missense variant.
Genome position (GRCh38, 1-based): chr17:18,121,505, C>T. VCF-style: chr17-18121505-C-T. GRCh37 (hg19) VCF-style: chr17-18024819-C-T.
Other names: c.2705C>T (NM_016239.3); short protein forms A902V.
Identifiers: ClinVar variation 1593282 (VCV001593282.11), dbSNP rs568115513, ClinGen allele CA8423288.

ClinVar aggregate classification (germline): Conflicting classifications of pathogenicity. Review status: criteria provided, conflicting classifications (1 of 4 stars). 3 submissions from 3 submitters: Uncertain significance (2); Likely benign (1). Last evaluated 2026-07-13.

Conditions:
Inborn genetic diseases. Identifiers: MedGen C0950123, MeSH D030342.

Allele frequency attached by ClinVar (database versions not stated): ExAC 0.00016; gnomAD 0.00030 and 0.00029; 1000 Genomes Project 0.00080; gnomAD exomes 0.00011; 1000 Genomes Project 30x 0.00062; TOPMed 0.00031.
gnomAD v4.1: 107 of 1,553,634 alleles (0.0069%); highest among the groups gnomAD compares: African/African-American, 0.098%; no homozygotes.

Submissions (3):

GeneDx
Classification: Uncertain significance. Last evaluated: 2026-07-13. Review status: criteria provided, single submitter. Criteria: GeneDx Variant Classification Process June 2021. Collection method: clinical testing. Allele origin: germline.
Comment: In silico analysis suggests that this missense variant does not alter protein structure/function; Has not been previously published as pathogenic or benign to our knowledge

Labcorp Genetics (formerly Invitae), Labcorp
Classification: Likely benign. Last evaluated: 2024-03-02. Review status: criteria provided, single submitter. Criteria: Invitae Variant Classification Sherloc (09022015). Collection method: clinical testing. Allele origin: germline.

Ambry Genetics
Classification: Uncertain significance for Inborn genetic diseases. Last evaluated: 2021-09-30. Review status: criteria provided, single submitter. Criteria: Ambry Variant Classification Scheme 2023. Collection method: clinical testing. Allele origin: germline.